The following is an entry in ClinVar:

NM_024675.4(PALB2):c.3052del (p.Glu1018fs)

Gene: PALB2 (partner and localizer of BRCA2; minus strand). Cytogenetic location: 16p12.2.
Variant type: Deletion.
Coding change: c.3052del on transcript NM_024675.4 (MANE Select); coding-DNA position 3052, one base deleted (G; older notation c.3052delG).
Protein change: p.Glu1018fs; shifts the reading frame from glutamic acid 1018.
Molecular consequence: frameshift variant.
Genome position (GRCh38, 1-based): chr16:23,621,423, C deleted on the plus strand (G on the coding strand, the reverse complement: PALB2 is on the minus strand). VCF-style (leftmost placement, unchanged base first): chr16-23621422-TC-T. GRCh37 (hg19) VCF-style: chr16-23632743-TC-T.
Other names: short protein forms E1018fs.
Identifiers: ClinVar variation 1452100 (VCV001452100.7), dbSNP rs2142327301, ClinGen allele CA2573152175.

ClinVar aggregate classification (germline): Pathogenic (1 of 4 stars; one submission).

Conditions:
Familial cancer of breast. Also called: Hereditary breast cancer; hereditary breast carcinoma; BREAST CANCER, FAMILIAL. Identifiers: Orphanet 227535, MedGen C0346153, MONDO:0016419, OMIM 114480. Disease mechanism: loss of function.

Submission:

Labcorp Genetics (formerly Invitae), Labcorp
Classification: Pathogenic for Familial cancer of breast. Last evaluated: 2021-05-13. Review status: criteria provided, single submitter. Criteria: Invitae Variant Classification Sherloc (09022015). Collection method: clinical testing. Allele origin: germline.
Comment: For these reasons, this variant has been classified as Pathogenic. This variant has not been reported in the literature in individuals with PALB2-related conditions. This variant is not present in population databases (ExAC no frequency). This sequence change creates a premature translational stop signal (p.Glu1018Argfs*15) in the PALB2 gene. It is expected to result in an absent or disrupted protein product. Loss-of-function variants in PALB2 are known to be pathogenic (PMID: 17200668, 24136930, 25099575).

Literature cited by the submitters: PubMed 17200668; PubMed 24136930; PubMed 25099575.